The following is an entry in ClinVar:

ClinVar aggregate classification (germline): Likely pathogenic (1 of 4 stars; one submission).

Submission:

Labcorp Genetics (formerly Invitae), Labcorp
Classification: Likely pathogenic. Last evaluated: 2023-04-26. Review status: criteria provided, single submitter. Criteria: Invitae Variant Classification Sherloc (09022015). Collection method: clinical testing. Allele origin: germline.
Comment: Disruption of this splice site has been observed in individual(s) with clinical features of COL4A1-related conditions (PMID: 34992632). This variant is not present in population databases (gnomAD no frequency). This sequence change affects a donor splice site in intron 45 of the COL4A1 gene. It is expected to disrupt RNA splicing. Variants that disrupt the donor or acceptor splice site typically lead to a loss of protein function (PMID: 16199547), and loss-of-function variants in COL4A1 are known to be pathogenic (PMID: 23225343). Algorithms developed to predict the effect of sequence changes on RNA splicing suggest that this variant may disrupt the consensus splice site. In summary, the currently available evidence indicates that the variant is pathogenic, but additional data are needed to prove that conclusively. Therefore, this variant has been classified as Likely Pathogenic.

Literature cited by the submitters: PubMed 34992632; PubMed 16199547; PubMed 23225343.

NM_001845.6(COL4A1):c.4021+2T>C

Gene: COL4A1 (collagen type IV alpha 1 chain; minus strand). Cytogenetic location: 13q34.
Variant type: single nucleotide variant.
Coding change: c.4021+2T>C on transcript NM_001845.6 (MANE Select); the canonical splice donor site of the intron after coding-DNA position 4021, T replaced by C.
Molecular consequence: splice donor variant.
Genome position (GRCh38, 1-based): chr13:110,166,230, A>G on the plus strand (T>C on the coding strand, the complement: COL4A1 is on the minus strand). VCF-style: chr13-110166230-A-G. GRCh37 (hg19) VCF-style: chr13-110818577-A-G.
Identifiers: ClinVar variation 2828860 (VCV002828860.3), dbSNP rs2501749644, ClinGen allele CA388660450.